The following is an entry in ClinVar:

NM_000088.4(COL1A1):c.1922G>C (p.Gly641Ala)

Gene: COL1A1 (collagen type I alpha 1 chain; minus strand). Cytogenetic location: 17q21.33.
Variant type: single nucleotide variant.
Coding change: c.1922G>C on transcript NM_000088.4 (MANE Select); coding-DNA position 1922, G replaced by C.
Protein change: p.Gly641Ala; replaces glycine 641 with alanine.
Molecular consequence: missense variant.
Genome position (GRCh38, 1-based): chr17:50,192,647, C>G on the plus strand (G>C on the coding strand, the complement: COL1A1 is on the minus strand). VCF-style: chr17-50192647-C-G. GRCh37 (hg19) VCF-style: chr17-48270008-C-G.
Other names: short protein forms G641A.
Identifiers: ClinVar variation 1352328 (VCV001352328.8), dbSNP rs1598293646, ClinGen allele CA400213650.

ClinVar aggregate classification (germline): Pathogenic (1 of 4 stars; one submission).

Conditions:
Osteogenesis imperfecta type I (OI1). Also called: Classic Non-deforming Osteogenesis Imperfecta with Blue Sclerae; Osteogenesis imperfecta type 1; OI, TYPE I; OSTEOGENESIS IMPERFECTA TARDA; OSTEOGENESIS IMPERFECTA WITH BLUE SCLERAE; Lobstein disease. Identifiers: Orphanet 216796, Orphanet 666, MedGen C0023931, MONDO:0008146, OMIM 166200. Disease mechanism: loss of function.

Submission:

Labcorp Genetics (formerly Invitae), Labcorp
Classification: Pathogenic for Osteogenesis imperfecta type I. Last evaluated: 2023-07-29. Review status: criteria provided, single submitter. Criteria: Invitae Variant Classification Sherloc (09022015). Collection method: clinical testing. Allele origin: germline.
Comment: This sequence change replaces glycine, which is neutral and non-polar, with alanine, which is neutral and non-polar, at codon 641 of the COL1A1 protein (p.Gly641Ala). This variant is not present in population databases (gnomAD no frequency). This missense change has been observed in individual(s) with osteogenesis imperfecta (PMID: 28725987). ClinVar contains an entry for this variant (Variation ID: 1352328). Advanced modeling of protein sequence and biophysical properties (such as structural, functional, and spatial information, amino acid conservation, physicochemical variation, residue mobility, and thermodynamic stability) performed at Invitae indicates that this missense variant is expected to disrupt COL1A1 protein function. This variant disrupts the triple helix domain of COL1A1. Glycine residues within the Gly-Xaa-Yaa repeats of the triple helix domain are required for the structure and stability of fibrillar collagens (PMID: 7695699, 8218237, 19344236). In COL1A1, variants affecting these glycine residues are significantly enriched in individuals with disease (PMID: 9016532, 17078022) compared to the general population (ExAC). For these reasons, this variant has been classified as Pathogenic.

Literature cited by the submitters: PubMed 28725987; PubMed 7695699; PubMed 8218237; PubMed 19344236; PubMed 9016532; PubMed 17078022.